The following is an entry in ClinVar:

NM_138694.4(PKHD1):c.10122del (p.Glu3375fs)

Gene: PKHD1 (PKHD1 ciliary IPT domain containing fibrocystin/polyductin; minus strand). Cytogenetic location: 6p12.3.
Variant type: Deletion.
Coding change: c.10122del on transcript NM_138694.4 (MANE Select); coding-DNA position 10122, one base deleted (A; older notation c.10122delA).
Protein change: p.Glu3375fs; shifts the reading frame from glutamic acid 3375.
Molecular consequence: frameshift variant.
Genome position (GRCh38, 1-based): chr6:51,744,419, T deleted on the plus strand (A on the coding strand, the reverse complement: PKHD1 is on the minus strand). VCF-style (leftmost placement, unchanged base first): chr6-51744418-CT-C. GRCh37 (hg19) VCF-style: chr6-51609216-CT-C.
Other names: c.10122del, p.Glu3375fs (NM_170724.3); short protein forms E3375fs.
Identifiers: ClinVar variation 4059896 (VCV004059896.2).

ClinVar aggregate classification (germline): Likely pathogenic (1 of 4 stars; one submission).

Conditions:
Autosomal recessive polycystic kidney disease (ARPKD). Also called: AR polycystic kidney disease. Identifiers: Orphanet 731, Orphanet 8378, MedGen C0085548, MeSH D017044, MONDO:0009889.

Submission:

Natera, Inc.
Classification: Likely pathogenic for Autosomal recessive polycystic kidney disease. Last evaluated: 2025-05-05. Review status: criteria provided, single submitter. Criteria: Natera Variant Classification Schema (03/2026). Collection method: clinical testing. Allele origin: germline.
Comment: The c.10122del variant in PKHD1 is a frameshift variant predicted to shift the reading frame beginning at codon 3375 and leads to a stop codon 25 codons downstream. This variant is expected to result in nonsense mediated decay, truncation, or a dysfunctional protein product. This variant is rare in the general population with a frequency below the threshold expected for the associated phenotype(s). Given the available evidence, this variant is classified as Likely Pathogenic.